The following is an entry in ClinVar:

NM_001291415.2(KDM6A):c.2420C>T (p.Thr807Met)

Gene: KDM6A (lysine demethylase 6A; plus strand). Cytogenetic location: Xp11.3.
Variant type: single nucleotide variant.
Coding change: c.2420C>T on transcript NM_001291415.2 (MANE Select); coding-DNA position 2420, C replaced by T.
Protein change: p.Thr807Met; replaces threonine 807 with methionine.
Molecular consequence: missense variant. On other transcripts: non-coding transcript variant (1).
Genome position (GRCh38, 1-based): chrX:45,069,919, C>T. VCF-style: chrX-45069919-C-T. GRCh37 (hg19) VCF-style: chrX-44929164-C-T.
Other names: c.2285C>T, p.Thr762Met (NM_001291416.2); c.2129C>T, p.Thr710Met (NM_001291417.2); c.2027C>T, p.Thr676Met (NM_001291418.2); c.1376C>T, p.Thr459Met (NM_001291421.2); c.2264C>T, p.Thr755Met (NM_021140.4); c.2264C>T (NM_021140.2); short protein forms T676M, T807M, T762M, T755M, T459M, T710M.
Identifiers: ClinVar variation 1394885 (VCV001394885.9), dbSNP rs757564026, ClinGen allele CA10392509.

ClinVar aggregate classification (germline): Uncertain significance. Review status: criteria provided, multiple submitters, no conflicts (2 of 4 stars). 2 submissions from 2 submitters: Uncertain significance (2). Last evaluated 2025-01-21.

Conditions:
Kabuki syndrome 2 (KABUK2). Also called: KDM6A-Related Kabuki Syndrome. Identifiers: Orphanet 2322, MedGen C3275495, MONDO:0010465, OMIM 300867.
Inborn genetic diseases. Identifiers: MedGen C0950123, MeSH D030342.

Allele frequency attached by ClinVar (database versions not stated): ExAC 0.00001; gnomAD 0.00001 and 0.00002; gnomAD exomes 0.00001 and 0.00002; TOPMed 0.00002.
gnomAD v4.1: 14 of 1,209,749 alleles (0.0012%); highest among the groups gnomAD compares: Middle Eastern, 0.023%; no homozygotes.

Submissions (2):

Labcorp Genetics (formerly Invitae), Labcorp
Classification: Uncertain significance for Kabuki syndrome 2. Last evaluated: 2025-01-21. Review status: criteria provided, single submitter. Criteria: Invitae Variant Classification Sherloc (09022015). Collection method: clinical testing. Allele origin: germline.
Comment: This sequence change replaces threonine, which is neutral and polar, with methionine, which is neutral and non-polar, at codon 755 of the KDM6A protein (p.Thr755Met). This variant is present in population databases (rs757564026, gnomAD 0.01%), including at least one homozygous and/or hemizygous individual. This variant has not been reported in the literature in individuals affected with KDM6A-related conditions. ClinVar contains an entry for this variant (Variation ID: 1394885). Invitae Evidence Modeling of protein sequence and biophysical properties (such as structural, functional, and spatial information, amino acid conservation, physicochemical variation, residue mobility, and thermodynamic stability) indicates that this missense variant is not expected to disrupt KDM6A protein function with a negative predictive value of 80%. In summary, the available evidence is currently insufficient to determine the role of this variant in disease. Therefore, it has been classified as a Variant of Uncertain Significance.

Ambry Genetics
Classification: Uncertain significance for Inborn genetic diseases. Last evaluated: 2021-09-09. Review status: criteria provided, single submitter. Criteria: Ambry Variant Classification Scheme 2023. Collection method: clinical testing. Allele origin: germline.